The following is an entry in ClinVar:

NM_006059.4(LAMC3):c.3363G>A (p.Val1121=)

Gene: LAMC3 (laminin subunit gamma 3; plus strand). Cytogenetic location: 9q34.12.
Variant type: single nucleotide variant.
Coding change: c.3363G>A on transcript NM_006059.4 (MANE Select); coding-DNA position 3363, G replaced by A.
Protein change: p.Val1121=; no amino-acid change (valine 1121 retained).
Molecular consequence: synonymous variant.
Genome position (GRCh38, 1-based): chr9:131,072,781, G>A. VCF-style: chr9-131072781-G-A. GRCh37 (hg19) VCF-style: chr9-133948168-G-A.
Identifiers: ClinVar variation 671934 (VCV000671934.9), dbSNP rs761245259, ClinGen allele CA5287758.
Genomic context (GRCh38, chr9:131,072,781, plus strand): 5'-CCGCTGTGCCCAGGCCGGATCCCAGAAGACCTGCACCCAGCTGGCAGACCTGGAGGCAGT[G>A]CTGGAGTCCTCGGAAGAGGAGATTCTGCATGCAGCTGCCATTCTCGCGTCTCTGGTATCC-3'
Protein context (NP_006050.3, residues 1111-1131): TCTQLADLEA[Val1121=]LESSEEEILH

ClinVar aggregate classification (germline): Likely benign. Review status: criteria provided, multiple submitters, no conflicts (2 of 4 stars). 2 submissions from 2 submitters: Likely benign (2). Last evaluated 2025-07-08.

Allele frequency attached by ClinVar (database versions not stated): gnomAD 0.00001; TOPMed 0.00001; gnomAD exomes 0.00002 and 0.00003; ExAC 0.00005.
gnomAD v4.1: 26 of 1,613,296 alleles (0.0016%); highest among the groups gnomAD compares: Admixed American, 0.017%; no homozygotes.

Submissions (2):

Labcorp Genetics (formerly Invitae), Labcorp
Classification: Likely benign. Last evaluated: 2025-07-08. Review status: criteria provided, single submitter. Criteria: Invitae Variant Classification Sherloc (09022015). Collection method: clinical testing. Allele origin: germline.

GeneDx
Classification: Likely benign. Last evaluated: 2018-06-18. Review status: criteria provided, single submitter. Criteria: GeneDx Variant Classification (06012015). Collection method: clinical testing. Allele origin: germline. Affected: yes.
Comment: This variant is considered likely benign or benign based on one or more of the following criteria: it is a conservative change, it occurs at a poorly conserved position in the protein, it is predicted to be benign by multiple in silico algorithms, and/or has population frequency not consistent with disease.